The following is an entry in ClinVar:

NM_001267550.2(TTN):c.107305A>C (p.Ser35769Arg)

Genes: TTN-AS1 (TTN antisense RNA 1; plus strand), TTN (titin; minus strand). Cytogenetic location: 2q31.2.
Variant type: single nucleotide variant.
Coding change: c.107305A>C on transcript NM_001267550.2 (MANE Select); coding-DNA position 107305, A replaced by C.
Protein change: p.Ser35769Arg; replaces serine 35769 with arginine.
Molecular consequence: missense variant.
Genome position (GRCh38, 1-based): chr2:178,528,346, T>G on the plus strand (A>C on the coding strand, the complement: TTN is on the minus strand). VCF-style: chr2-178528346-T-G. GRCh37 (hg19) VCF-style: chr2-179393073-T-G.
Other names: c.102382A>C, p.Ser34128Arg (NM_001256850.1); c.80110A>C, p.Ser26704Arg (NM_003319.4); c.99601A>C, p.Ser33201Arg (NM_133378.4); c.80485A>C, p.Ser26829Arg (NM_133432.3); c.80686A>C, p.Ser26896Arg (NM_133437.4); short protein forms S26829R, S34128R, S26896R, S26704R, S33201R, S35769R.
Identifiers: ClinVar variation 1761652 (VCV001761652.5), dbSNP rs2468282942, ClinGen allele CA349401370.
Genomic context (GRCh38, chr2:178,528,346, plus strand): 5'-AGGAAGCTGTAGCTGAACACTGGCCACGGAAATTTTTGGCCTTAATTGTGTACTTTCCAC[T>G]GTCGCTGACTGATGCATTTCGGATTTCAAGGGAGTATACATTTCTGGAGCGGCTTATGCT-3'
Protein context (NP_001254479.2, residues 35759-35779): LEIRNASVSD[Ser35769Arg]GKYTIKAKNF

ClinVar aggregate classification (germline): Uncertain significance. Review status: criteria provided, multiple submitters, no conflicts (2 of 4 stars). 2 submissions from 2 submitters: Uncertain significance (2). Last evaluated 2025-09-07.

Conditions:
Autosomal recessive limb-girdle muscular dystrophy type 2J (LGMDR10). Also called: Limb-girdle muscular dystrophy, type 2J; MUSCULAR DYSTROPHY, LIMB-GIRDLE, AUTOSOMAL RECESSIVE 10. Identifiers: Orphanet 140922, MedGen C1837342, MONDO:0012127, OMIM 608807.
Dilated cardiomyopathy 1G (CMD1G). Identifiers: Orphanet 154, MedGen C1858763, MONDO:0011400, OMIM 604145.
Cardiovascular phenotype. Identifiers: MedGen CN230736.

Allele frequency attached by ClinVar (database versions not stated): gnomAD exomes below 0.00001.
gnomAD v4.1: 6 of 1,613,994 alleles (0.00037%); highest among the groups gnomAD compares: Non-Finnish European, 0.00042%; no homozygotes.

Submissions (2):

Labcorp Genetics (formerly Invitae), Labcorp
Classification: Uncertain significance for Dilated cardiomyopathy 1G; Autosomal recessive limb-girdle muscular dystrophy type 2J. Last evaluated: 2025-09-07. Review status: criteria provided, single submitter. Criteria: Invitae Variant Classification Sherloc (09022015). Collection method: clinical testing. Allele origin: germline.
Comment: This sequence change replaces serine, which is neutral and polar, with arginine, which is basic and polar, at codon 35769 of the TTN protein (p.Ser35769Arg). This variant is not present in population databases (gnomAD no frequency). This variant has not been reported in the literature in individuals affected with TTN-related conditions. ClinVar contains an entry for this variant (Variation ID: 1761652). Experimental studies and prediction algorithms are not available or were not evaluated, and the functional significance of this variant is currently unknown. This variant is located in the M band of TTN (PMID: 25589632). Non-truncating variants in this region may be relevant for neuromuscular disorders, but have not been definitively shown to cause cardiomyopathy (PMID: 23975875). In summary, the available evidence is currently insufficient to determine the role of this variant in disease. Therefore, it has been classified as a Variant of Uncertain Significance.

Ambry Genetics
Classification: Uncertain significance for Cardiovascular phenotype. Last evaluated: 2020-07-28. Review status: criteria provided, single submitter. Criteria: Ambry Variant Classification Scheme 2023. Collection method: clinical testing. Allele origin: germline.
Comment: The p.S26704R variant (also known as c.80110A>C), located in coding exon 188 of the TTN gene, results from an A to C substitution at nucleotide position 80110. The serine at codon 26704 is replaced by arginine, an amino acid with dissimilar properties. This amino acid position is well conserved in available vertebrate species. In addition, this alteration is predicted to be tolerated by in silico analysis. Since supporting evidence is limited at this time, the clinical significance of this alteration remains unclear.

Literature cited by the submitters: PubMed 25589632 (cited by Labcorp Genetics (formerly Invitae), Labcorp); PubMed 23975875 (cited by Labcorp Genetics (formerly Invitae), Labcorp).